The following is an entry in ClinVar:

ClinVar aggregate classification (germline): Uncertain significance (1 of 4 stars; one submission).

Conditions:
Dystonia 12 (DYT12). Also called: DYT-ATP1A3; Rapid-Onset Dystonia-Parkinsonism (RDP). Identifiers: Orphanet 71517, MedGen C1868681, MONDO:0007496, OMIM 128235.

Submission:

Labcorp Genetics (formerly Invitae), Labcorp
Classification: Uncertain significance for Dystonia 12. Last evaluated: 2021-04-02. Review status: criteria provided, single submitter. Criteria: Invitae Variant Classification Sherloc (09022015). Collection method: clinical testing. Allele origin: germline.
Comment: In summary, the available evidence is currently insufficient to determine the role of this variant in disease. Therefore, it has been classified as a Variant of Uncertain Significance. Algorithms developed to predict the effect of missense changes on protein structure and function are either unavailable or do not agree on the potential impact of this missense change (SIFT: "Deleterious"; PolyPhen-2: "Benign"; Align-GVGD: "Class C0"). This variant has not been reported in the literature in individuals with ATP1A3-related conditions. ClinVar contains an entry for this variant (Variation ID: 943081). This variant is not present in population databases (ExAC no frequency). This sequence change replaces proline with serine at codon 551 of the ATP1A3 protein (p.Pro551Ser). The proline residue is highly conserved and there is a moderate physicochemical difference between proline and serine.

NM_152296.5(ATP1A3):c.1651C>T (p.Pro551Ser)

Gene: ATP1A3 (ATPase Na+/K+ transporting subunit alpha 3; minus strand). Cytogenetic location: 19q13.2.
Variant type: single nucleotide variant.
Coding change: c.1651C>T on transcript NM_152296.5 (MANE Select); coding-DNA position 1651, C replaced by T.
Protein change: p.Pro551Ser; replaces proline 551 with serine.
Molecular consequence: missense variant.
Genome position (GRCh38, 1-based): chr19:41,978,306, G>A on the plus strand (C>T on the coding strand, the complement: ATP1A3 is on the minus strand). VCF-style: chr19-41978306-G-A. GRCh37 (hg19) VCF-style: chr19-42482458-G-A.
Other names: c.1684C>T, p.Pro562Ser (NM_001256213.2); c.1690C>T, p.Pro564Ser (NM_001256214.2); short protein forms P551S, P562S, P564S.
Identifiers: ClinVar variation 943081 (VCV000943081.9), dbSNP rs2075193911, ClinGen allele CA406046098.